The following is an entry in ClinVar:

NM_201384.3(PLEC):c.2670G>A (p.Met890Ile)

Gene: PLEC (plectin; minus strand). Cytogenetic location: 8q24.3.
Variant type: single nucleotide variant.
Coding change: c.2670G>A on transcript NM_201384.3 (MANE Select); coding-DNA position 2670, G replaced by A.
Protein change: p.Met890Ile; replaces methionine 890 with isoleucine.
Molecular consequence: missense variant.
Genome position (GRCh38, 1-based): chr8:143,930,005, C>T on the plus strand (G>A on the coding strand, the complement: PLEC is on the minus strand). VCF-style: chr8-143930005-C-T. GRCh37 (hg19) VCF-style: chr8-145004173-C-T.
Other names: c.2751G>A, p.Met917Ile (NM_000445.5, NM_001410941.1); c.2628G>A, p.Met876Ile (NM_201378.4); c.2604G>A, p.Met868Ile (NM_201379.3); c.3081G>A, p.Met1027Ile (NM_201380.4); c.2574G>A, p.Met858Ile (NM_201381.3); c.2670G>A, p.Met890Ile (NM_201382.4); c.2682G>A, p.Met894Ile (NM_201383.3); short protein forms M1027I, M858I, M868I, M876I, M890I, M894I, M917I.
Identifiers: ClinVar variation 1720790 (VCV001720790.6), dbSNP rs2538547538, ClinGen allele CA372573259.

ClinVar aggregate classification (germline): Uncertain significance (1 of 4 stars; one submission).

Conditions:
Autosomal recessive limb-girdle muscular dystrophy type 2Q (LGMDR17). Also called: MUSCULAR DYSTROPHY, LIMB-GIRDLE, AUTOSOMAL RECESSIVE 17. Identifiers: Orphanet 254361, MedGen C3150989, MONDO:0013390, OMIM 613723.
Epidermolysis bullosa simplex with nail dystrophy (EBS5D). Identifiers: MedGen C4225309, MONDO:0014661, OMIM 616487.
Epidermolysis bullosa simplex, Ogna type (EBS5A). Also called: Pidermolysis bullosa simplex 5A, Ogna type; EPIDERMOLYSIS BULLOSA SIMPLEX 5A, OGNA TYPE. Identifiers: Orphanet 79401, MedGen C0432317, MONDO:0007555, OMIM 131950.
Epidermolysis bullosa simplex 5B, with muscular dystrophy (EBS5B). Also called: Epidermolysis bullosa simplex with muscular dystrophy; EPIDERMOLYSIS BULLOSA SIMPLEX AND LIMB-GIRDLE MUSCULAR DYSTROPHY. Identifiers: Orphanet 257, MedGen C2931072, MONDO:0009181, OMIM 226670.
Epidermolysis bullosa simplex 5C, with pyloric atresia (EBS5C). Also called: PLEC-Related Epidermolysis Bullosa with Pyloric Atresia; Epidermolysis bullosa simplex with pyloric atresia; PLEC1-Related Epidermolysis Bullosa with Pyloric Atresia. Identifiers: Orphanet 158684, MedGen C2677349, MONDO:0012807, OMIM 612138.

Submission:

Labcorp Genetics (formerly Invitae), Labcorp
Classification: Uncertain significance for Autosomal recessive limb-girdle muscular dystrophy type 2Q; Epidermolysis bullosa simplex, Ogna type; Epidermolysis bullosa simplex with nail dystrophy; Epidermolysis bullosa simplex 5C, with pyloric atresia; Epidermolysis bullosa simplex 5B, with muscular dystrophy. Last evaluated: 2023-01-19. Review status: criteria provided, single submitter. Criteria: Invitae Variant Classification Sherloc (09022015). Collection method: clinical testing. Allele origin: germline.
Comment: This variant has not been reported in the literature in individuals affected with PLEC-related conditions. ClinVar contains an entry for this variant (Variation ID: 1720790). Advanced modeling of protein sequence and biophysical properties (such as structural, functional, and spatial information, amino acid conservation, physicochemical variation, residue mobility, and thermodynamic stability) performed at Invitae indicates that this missense variant is not expected to disrupt PLEC protein function. In summary, the available evidence is currently insufficient to determine the role of this variant in disease. Therefore, it has been classified as a Variant of Uncertain Significance. This variant is not present in population databases (gnomAD no frequency). This sequence change replaces methionine, which is neutral and non-polar, with isoleucine, which is neutral and non-polar, at codon 917 of the PLEC protein (p.Met917Ile).